The following is an entry in ClinVar:

NM_000535.7(PMS2):c.1477G>C (p.Asp493His)

Gene: PMS2 (PMS1 homolog 2, mismatch repair system component; minus strand). Cytogenetic location: 7p22.1.
Variant type: single nucleotide variant.
Coding change: c.1477G>C on transcript NM_000535.7 (MANE Select); coding-DNA position 1477, G replaced by C.
Protein change: p.Asp493His; replaces aspartic acid 493 with histidine.
Molecular consequence: missense variant. On other transcripts: non-coding transcript variant (1).
Genome position (GRCh38, 1-based): chr7:5,987,288, C>G on the plus strand (G>C on the coding strand, the complement: PMS2 is on the minus strand). VCF-style: chr7-5987288-C-G. GRCh37 (hg19) VCF-style: chr7-6026919-C-G.
Other names: c.904G>C, p.Asp302His (NM_001322013.2); c.1477G>C, p.Asp493His (NM_001322014.2); c.1168G>C, p.Asp390His (NM_001322015.2); c.1072G>C, p.Asp358His (NM_001322003.2, NM_001322004.2, NM_001322005.2 and 1 more transcripts); c.1321G>C, p.Asp441His (NM_001322006.2); c.1159G>C, p.Asp387His (NM_001322007.2, NM_001322008.2); c.916G>C, p.Asp306His (NM_001322010.2); c.544G>C, p.Asp182His (NM_001322011.2, NM_001322012.2); short protein forms D493H, D302H, D306H, D390H, D387H, D441H, D182H, D358H.
Identifiers: ClinVar variation 421429 (VCV000421429.17), dbSNP rs148642064, ClinGen allele CA16618508.
Genomic context (GRCh38, chr7:5,987,288, plus strand): 5'-TGCCCGTGTCTGGGATGCTGAACCCCTCAGAATCCACGGAAGTGCTGCCGTGCCCCGAGT[C>G]CTTCTCCACCTCCGCTCTGTCCGTAGGGTCACTGGGTCCGTGACTGGAACTCACTGCCTC-3'
Protein context (NP_000526.2, residues 483-503): DPTDRAEVEK[Asp493His]SGHGSTSVDS

ClinVar aggregate classification (germline): Uncertain significance. Review status: criteria provided, multiple submitters, no conflicts (2 of 4 stars). 4 submissions from 4 submitters: Uncertain significance (4). Last evaluated 2025-11-03.

Conditions:
Hereditary cancer-predisposing syndrome. Also called: Hereditary neoplastic syndrome; Tumor predisposition; Neoplastic Syndromes, Hereditary; Hereditary Cancer Syndrome. Identifiers: Orphanet 140162, MedGen C0027672, MeSH D009386, MONDO:0015356.
Hereditary nonpolyposis colorectal neoplasms. Identifiers: MedGen C0009405, MeSH D003123.

Allele frequency attached by ClinVar (database versions not stated): ESP Exome Variant Server 0.00008.
gnomAD v4.1: 1 of 1,614,152 alleles (0.000062%); highest among the groups gnomAD compares: Non-Finnish European, 0.000085%; no homozygotes.

Submissions (4):

Color Diagnostics, LLC DBA Color Health
Classification: Uncertain significance for Hereditary cancer-predisposing syndrome. Last evaluated: 2025-11-03. Review status: criteria provided, single submitter. Criteria: ACMG Guidelines, 2015. Collection method: clinical testing. Allele origin: germline.
Comment: This missense variant replaces aspartic acid with histidine at codon 493 of the PMS2 protein. Computational prediction suggests that this variant may not impact protein structure and function. To our knowledge, functional studies have not been reported for this variant. This variant has not been reported in individuals affected with PMS2-related disorders in the literature. This variant has not been identified in the general population by the Genome Aggregation Database (gnomAD). The available evidence is insufficient to determine the role of this variant in disease conclusively. Therefore, this variant is classified as a Variant of Uncertain Significance.

Labcorp Genetics (formerly Invitae), Labcorp
Classification: Uncertain significance for Hereditary nonpolyposis colorectal neoplasms. Last evaluated: 2025-08-20. Review status: criteria provided, single submitter. Criteria: Invitae Variant Classification Sherloc (09022015). Collection method: clinical testing. Allele origin: germline.
Comment: This sequence change replaces aspartic acid, which is acidic and polar, with histidine, which is basic and polar, at codon 493 of the PMS2 protein (p.Asp493His). This variant is not present in population databases (gnomAD no frequency). This variant has not been reported in the literature in individuals affected with PMS2-related conditions. ClinVar contains an entry for this variant (Variation ID: 421429). Invitae Evidence Modeling of protein sequence and biophysical properties (such as structural, functional, and spatial information, amino acid conservation, physicochemical variation, residue mobility, and thermodynamic stability) indicates that this missense variant is expected to disrupt PMS2 protein function with a positive predictive value of 80%. In summary, the available evidence is currently insufficient to determine the role of this variant in disease. Therefore, it has been classified as a Variant of Uncertain Significance.

Ambry Genetics
Classification: Uncertain significance for Hereditary cancer-predisposing syndrome. Last evaluated: 2025-05-17. Review status: criteria provided, single submitter. Criteria: Ambry Variant Classification Scheme 2023. Collection method: clinical testing. Allele origin: germline.
Comment: The p.D493H variant (also known as c.1477G>C), located in coding exon 11 of the PMS2 gene, results from a G to C substitution at nucleotide position 1477. The aspartic acid at codon 493 is replaced by histidine, an amino acid with similar properties. This amino acid position is conserved. In addition, the in silico prediction for this alteration is inconclusive. Based on the available evidence, the clinical significance of this variant remains unclear.

GeneDx
Classification: Uncertain significance. Last evaluated: 2016-06-13. Review status: criteria provided, single submitter. Criteria: GeneDx Variant Classification (06012015). Collection method: clinical testing. Allele origin: germline. Affected: yes.
Comment: This variant is denoted PMS2 c.1477G>C at the cDNA level, p.Asp493His (D493H) at the protein level, and results in the change of an Aspartic Acid to a Histidine (GAC>CAC). This variant has not, to our knowledge, been published in the literature as pathogenic or benign. PMS2 Asp493His was not observed in approximately 6,500 individuals of European and African American ancestry in the NHLBI Exome Sequencing Project, suggesting it is not a common benign variant in these populations. Since Aspartic Acid and Histidine differ in polarity, charge, size or other properties, this is considered a non-conservative amino acid substitution. PMS2 Asp493His occurs at a position that is not conserved and is not located in a known functional domain (Guarne 2001, Fukui 2011). In silico analyses are inconsistent regarding the effect this variant may have on protein structure and function. Based on currently available evidence, it is unclear whether PMS2 Asp493His is pathogenic or benign. We consider it to be a variant of uncertain significance.